The following is an entry in ClinVar:

NM_000016.6(ACADM):c.234T>G (p.Ile78Met)

Gene: ACADM (acyl-CoA dehydrogenase medium chain; plus strand). Cytogenetic location: 1p31.1.
Variant type: single nucleotide variant.
Coding change: c.234T>G on transcript NM_000016.6 (MANE Select); coding-DNA position 234, T replaced by G.
Protein change: p.Ile78Met; replaces isoleucine 78 with methionine.
Molecular consequence: missense variant. On other transcripts: 5 prime UTR variant (1).
Genome position (GRCh38, 1-based): chr1:75,732,870, T>G. VCF-style: chr1-75732870-T-G. GRCh37 (hg19) VCF-style: chr1-76198555-T-G.
Other names: c.246T>G, p.Ile82Met (NM_001127328.3); c.126T>G, p.Ile42Met (NM_001286042.2); c.234T>G, p.Ile78Met (NM_001286043.2); c.-152T>G (NM_001286044.2); c.234T>G (NM_000016.5); short protein forms I42M, I82M, I78M.
Identifiers: ClinVar variation 1524981 (VCV001524981.7), dbSNP rs1158457053, ClinGen allele CA340809832.

ClinVar aggregate classification (germline): Pathogenic/Likely pathogenic. Review status: criteria provided, multiple submitters, no conflicts (2 of 4 stars). 2 submissions from 2 submitters: Pathogenic (1); Likely pathogenic (1). Last evaluated 2025-07-16.

Conditions:
Medium-chain acyl-coenzyme A dehydrogenase deficiency (ACADMD). Also called: CARNITINE DEFICIENCY SECONDARY TO MEDIUM-CHAIN ACYL-CoA DEHYDROGENASE DEFICIENCY; MCADH DEFICIENCY; MCADD; Medium chain acyl-CoA dehydrogenase deficiency; MCAD Deficiency; ACADM DEFICIENCY. Identifiers: Orphanet 42, MedGen C0220710, MONDO:0008721, OMIM 201450.

Allele frequency attached by ClinVar (database versions not stated): gnomAD exomes below 0.00001; gnomAD 0.00002; TOPMed 0.00002.

Submissions (2):

Natera, Inc.
Classification: Likely pathogenic for Medium Chain Acyl-CoA Dehydrogenase Deficiency. Last evaluated: 2025-07-16. Review status: criteria provided, single submitter. Criteria: Natera Variant Classification Schema (03/2026). Collection method: clinical testing. Allele origin: germline.
Comment: The c.234T>G variant in ACADM is a missense variant predicted to cause substitution of isoleucine to methionine at amino acid 78. This variant is rare in the general population with a frequency below the threshold expected for the associated phenotype(s). This variant has been observed in one or more individuals affected with the associated recessive disease, as either homozygous or compound heterozygous with a second variant (PMID: 33580884). A different variant at the same position has been determined to be Pathogenic or Likely Pathogenic. Computational prediction algorithms indicate this variant is likely to affect gene or protein function. Given the available evidence, this variant is classified as Likely Pathogenic.

Labcorp Genetics (formerly Invitae), Labcorp
Classification: Pathogenic for Medium-chain acyl-coenzyme A dehydrogenase deficiency. Last evaluated: 2024-07-03. Review status: criteria provided, single submitter. Criteria: Invitae Variant Classification Sherloc (09022015). Collection method: clinical testing. Allele origin: germline.
Comment: This sequence change replaces isoleucine, which is neutral and non-polar, with methionine, which is neutral and non-polar, at codon 78 of the ACADM protein (p.Ile78Met). This variant is present in population databases (no rsID available, gnomAD 0.007%). This missense change has been observed in individual(s) with medium-chain acyl-coenzyme A dehydrogenase deficiency (PMID: 33580884). ClinVar contains an entry for this variant (Variation ID: 1524981). Advanced modeling of protein sequence and biophysical properties (such as structural, functional, and spatial information, amino acid conservation, physicochemical variation, residue mobility, and thermodynamic stability) performed at Invitae indicates that this missense variant is not expected to disrupt ACADM protein function with a negative predictive value of 80%. This variant disrupts the p.Ile78 amino acid residue in ACADM. Other variant(s) that disrupt this residue have been determined to be pathogenic (PMID: 15171998, 16737882, 22542437, 22630369, 24623196). This suggests that this residue is clinically significant, and that variants that disrupt this residue are likely to be disease-causing. For these reasons, this variant has been classified as Pathogenic.

Literature cited by the submitters: PubMed 33580884 (cited by Natera, Inc. and Labcorp Genetics (formerly Invitae), Labcorp); PubMed 15171998 (cited by Labcorp Genetics (formerly Invitae), Labcorp); PubMed 16737882 (cited by Labcorp Genetics (formerly Invitae), Labcorp); PubMed 22542437 (cited by Labcorp Genetics (formerly Invitae), Labcorp); PubMed 22630369 (cited by Labcorp Genetics (formerly Invitae), Labcorp); PubMed 24623196 (cited by Labcorp Genetics (formerly Invitae), Labcorp).